The following is an entry in ClinVar:

ClinVar aggregate classification (germline): Likely benign. Review status: criteria provided, multiple submitters, no conflicts (2 of 4 stars). 3 submissions from 3 submitters: Likely benign (2). 1 of the submissions does not count toward it. Last evaluated 2022-10-01.

Conditions:
WDR62-related disorder. Also called: WDR62-related condition.

Allele frequency attached by ClinVar (database versions not stated): gnomAD 0.00001 and 0.00003; TOPMed 0.00001; gnomAD exomes 0.00002 and 0.00009; ExAC 0.00015.
gnomAD v4.1: 41 of 1,609,292 alleles (0.0025%); highest among the groups gnomAD compares: South Asian, 0.031%; no homozygotes.

Submissions (3):

CeGaT Center for Human Genetics Tuebingen
Classification: Likely benign. Last evaluated: 2022-10-01. Review status: criteria provided, single submitter. Criteria: CeGaT Center For Human Genetics Tuebingen Variant Classification Criteria Version 2. Collection method: clinical testing. Allele origin: germline. Affected: yes. Observed: 1 variant allele.
Comment: WDR62: BP4, BP7

GeneDx
Classification: Likely benign. Last evaluated: 2017-09-21. Review status: criteria provided, single submitter. Criteria: GeneDx Variant Classification (06012015). Collection method: clinical testing. Allele origin: germline. Affected: yes.
Comment: This variant is considered likely benign or benign based on one or more of the following criteria: it is a conservative change, it occurs at a poorly conserved position in the protein, it is predicted to be benign by multiple in silico algorithms, and/or has population frequency not consistent with disease.

PreventionGenetics, part of Exact Sciences
Classification: Likely benign for WDR62-related condition. Last evaluated: 2019-06-25. Review status: no assertion criteria provided. Collection method: clinical testing. Allele origin: germline. Not counted in ClinVar's aggregate classification.
Comment: This variant is classified as likely benign based on ACMG/AMP sequence variant interpretation guidelines (Richards et al. 2015 PMID: 25741868, with internal and published modifications).

NM_001083961.2(WDR62):c.1764C>T (p.Phe588=)

Gene: WDR62 (WD repeat domain 62; plus strand). Cytogenetic location: 19q13.12.
Variant type: single nucleotide variant.
Coding change: c.1764C>T on transcript NM_001083961.2 (MANE Select); coding-DNA position 1764, C replaced by T.
Protein change: p.Phe588=; no amino-acid change (phenylalanine 588 retained).
Molecular consequence: synonymous variant.
Genome position (GRCh38, 1-based): chr19:36,086,808, C>T. VCF-style: chr19-36086808-C-T. GRCh37 (hg19) VCF-style: chr19-36577710-C-T.
Other names: c.1764C>T, p.Phe588= (NM_173636.5).
Identifiers: ClinVar variation 512193 (VCV000512193.26), dbSNP rs757137989, ClinGen allele CA9395705.